The following is an entry in ClinVar:

ClinVar aggregate classification (germline): Uncertain significance (1 of 4 stars; one submission).

Conditions:
Cardiovascular phenotype. Identifiers: MedGen CN230736.
Hereditary cancer-predisposing syndrome. Also called: Neoplastic Syndromes, Hereditary; Tumor predisposition; Hereditary Cancer Syndrome; Hereditary neoplastic syndrome. Identifiers: Orphanet 140162, MedGen C0027672, MeSH D009386, MONDO:0015356.

Submission:

Ambry Genetics
Classification: Uncertain significance for Cardiovascular phenotype; Hereditary cancer-predisposing syndrome. Last evaluated: 2025-11-19. Review status: criteria provided, single submitter. Criteria: Ambry Variant Classification Scheme 2023. Collection method: clinical testing. Allele origin: germline.
Comment: The p.K239E variant (also known as c.715A>G), located in coding exon 8 of the LZTR1 gene, results from an A to G substitution at nucleotide position 715. The lysine at codon 239 is replaced by glutamic acid, an amino acid with similar properties. This amino acid position is conserved. In addition, the in silico prediction for this alteration is inconclusive. Based on the available evidence, the clinical significance of this variant remains unclear.

NM_006767.4(LZTR1):c.715A>G (p.Lys239Glu)

Gene: LZTR1 (leucine zipper like post translational regulator 1; plus strand). Cytogenetic location: 22q11.21.
Variant type: single nucleotide variant.
Coding change: c.715A>G on transcript NM_006767.4 (MANE Select); coding-DNA position 715, A replaced by G.
Protein change: p.Lys239Glu; replaces lysine 239 with glutamic acid.
Molecular consequence: missense variant.
Genome position (GRCh38, 1-based): chr22:20,990,449, A>G. VCF-style: chr22-20990449-A-G. GRCh37 (hg19) VCF-style: chr22-21344738-A-G.
Other names: short protein forms K239E.
Identifiers: ClinVar variation 4615667 (VCV004615667.1).